The following is an entry in ClinVar:

NM_006059.4(LAMC3):c.4231-10C>T

Gene: LAMC3 (laminin subunit gamma 3; plus strand). Cytogenetic location: 9q34.12.
Variant type: single nucleotide variant.
Coding change: c.4231-10C>T on transcript NM_006059.4 (MANE Select); 10 bases into the intron before coding-DNA position 4231, C replaced by T.
Molecular consequence: intron variant.
Genome position (GRCh38, 1-based): chr9:131,087,466, C>T. VCF-style: chr9-131087466-C-T. GRCh37 (hg19) VCF-style: chr9-133962853-C-T.
Identifiers: ClinVar variation 129464 (VCV000129464.16), dbSNP rs4740411, ClinGen allele CA153496.

ClinVar aggregate classification (germline): Benign. Review status: criteria provided, multiple submitters, no conflicts (2 of 4 stars). 5 submissions from 5 submitters: Benign (4). 1 of the submissions does not count toward it. Last evaluated 2026-02-04.

Conditions:
Occipital pachygyria and polymicrogyria. Identifiers: Orphanet 280640, MedGen C3279875, MONDO:0013583, OMIM 614115.

Allele frequency attached by ClinVar (database versions not stated): 1000 Genomes Project 30x 0.16708; gnomAD 0.20977 and 0.20970; gnomAD exomes 0.25601 and 0.24109; 1000 Genomes Project 0.16773; ESP Exome Variant Server 0.20621; TOPMed 0.20673; ExAC 0.23594.
gnomAD v4.1: 405,876 of 1,613,350 alleles (25%); highest among the groups gnomAD compares: Middle Eastern, 32%; 53,869 homozygotes.

Submissions (5):

Labcorp Genetics (formerly Invitae), Labcorp
Classification: Benign. Last evaluated: 2026-02-04. Review status: criteria provided, single submitter. Criteria: Invitae Variant Classification Sherloc (09022015). Collection method: clinical testing. Allele origin: germline.

Genome-Nilou Lab
Classification: Benign for Occipital pachygyria and polymicrogyria. Last evaluated: 2021-08-19. Review status: criteria provided, single submitter. Criteria: ACMG Guidelines, 2015. Collection method: clinical testing. Allele origin: germline. Affected: no.

GeneDx
Classification: Benign. Last evaluated: 2013-11-06. Review status: criteria provided, single submitter. Criteria: GeneDx Variant Classification (06012015). Collection method: clinical testing. Allele origin: germline. Affected: yes.
Comment: This variant is considered likely benign or benign based on one or more of the following criteria: it is a conservative change, it occurs at a poorly conserved position in the protein, it is predicted to be benign by multiple in silico algorithms, and/or has population frequency not consistent with disease.

Breakthrough Genomics
Classification: Benign. Review status: criteria provided, single submitter. Criteria: ACMG Guidelines, 2015. Collection method: not provided. Allele origin: germline. Inheritance: Autosomal recessive inheritance. Affected: yes.

Genetic Services Laboratory, University of Chicago
Classification: Likely benign for AllHighlyPenetrant. Review status: no assertion criteria provided. Collection method: clinical testing. Allele origin: germline. Inheritance: X-linked inheritance. Not counted in ClinVar's aggregate classification.
Comment: Likely benign based on allele frequency in 1000 Genomes Project or ESP global frequency and its presence in a patient with a rare or unrelated disease phenotype. NOT Sanger confirmed.